The following is an entry in ClinVar:

NM_020738.4(KIDINS220):c.995C>A (p.Thr332Lys)

Gene: KIDINS220 (kinase D interacting substrate 220; minus strand). Cytogenetic location: 2p25.1.
Variant type: single nucleotide variant.
Coding change: c.995C>A on transcript NM_020738.4 (MANE Select); coding-DNA position 995, C replaced by A.
Protein change: p.Thr332Lys; replaces threonine 332 with lysine.
Molecular consequence: missense variant. On other transcripts: non-coding transcript variant (2).
Genome position (GRCh38, 1-based): chr2:8,798,206, G>T on the plus strand (C>A on the coding strand, the complement: KIDINS220 is on the minus strand). VCF-style: chr2-8798206-G-T. GRCh37 (hg19) VCF-style: chr2-8938336-G-T.
Other names: c.998C>A, p.Thr333Lys (NM_001348729.2, NM_001348731.2, NM_001348734.2 and 3 more transcripts); c.995C>A, p.Thr332Lys (NM_001348732.2, NM_001348735.2, NM_001348738.2 and 3 more transcripts); c.869C>A, p.Thr290Lys (NM_001348736.2); short protein forms T290K, T332K, T333K.
Identifiers: ClinVar variation 3356294 (VCV003356294.1).

ClinVar aggregate classification (germline): Uncertain significance (0 of 4 stars; one submission).

Conditions:
KIDINS220-related disorder. Also called: KIDINS220-related condition.

gnomAD v4.1: 6 of 1,584,838 alleles (0.00038%); highest among the groups gnomAD compares: African/African-American, 0.0054%; no homozygotes.

Submission:

PreventionGenetics, part of Exact Sciences
Classification: Uncertain significance for KIDINS220-related condition. Last evaluated: 2024-02-22. Review status: no assertion criteria provided. Collection method: clinical testing. Allele origin: germline.
Comment: The KIDINS220 c.995C>A variant is predicted to result in the amino acid substitution p.Thr332Lys. To our knowledge, this variant has not been reported in the literature. This variant is reported in 0.0065% of alleles in individuals of African descent in gnomAD. At this time, the clinical significance of this variant is uncertain due to the absence of conclusive functional and genetic evidence.